The following is an entry in ClinVar:

NM_000878.5(IL2RB):c.1481G>A (p.Arg494Gln)

Gene: IL2RB (interleukin 2 receptor subunit beta; minus strand). Cytogenetic location: 22q12.3.
Variant type: single nucleotide variant.
Coding change: c.1481G>A on transcript NM_000878.5 (MANE Select); coding-DNA position 1481, G replaced by A.
Protein change: p.Arg494Gln; replaces arginine 494 with glutamine.
Molecular consequence: missense variant.
Genome position (GRCh38, 1-based): chr22:37,128,271, C>T on the plus strand (G>A on the coding strand, the complement: IL2RB is on the minus strand). VCF-style: chr22-37128271-C-T. GRCh37 (hg19) VCF-style: chr22-37524311-C-T.
Other names: p.Arg494Gln; c.1481G>A, p.Arg494Gln (NM_001346222.1, NM_001346223.2); short protein forms R494Q.
Identifiers: ClinVar variation 3860280 (VCV003860280.2).
Genomic context (GRCh38, chr22:37,128,271, plus strand): 5'-GACCAGGGGAAACTGACTCCCTCCCTGGGGCCAGCGTCAGGGACCTCCTCCCCAGCCTCT[C>T]GCAGCACCAGCTCAGGGGGTGGCTGAAAATCCACCAGGTCTGGGACTCCTGGGGTGGGAG-3'
Protein context (NP_000869.1, residues 484-504): DFQPPPELVL[Arg494Gln]EAGEEVPDAG

ClinVar aggregate classification (germline): Uncertain significance. Review status: criteria provided, multiple submitters, no conflicts (2 of 4 stars). 2 submissions from 2 submitters: Uncertain significance (2). Last evaluated 2025-10-27.

gnomAD v4.1: 9 of 1,498,302 alleles (0.0006%); highest among the groups gnomAD compares: South Asian, 0.0014%; no homozygotes.

Submissions (2):

Mayo Clinic Laboratories, Mayo Clinic
Classification: Uncertain significance. Last evaluated: 2025-10-27. Review status: criteria provided, single submitter. Criteria: ACMG Guidelines, 2015. Collection method: clinical testing. Allele origin: germline. Observed: 1 variant allele.
Comment: BP4_strong, PM2_supporting

Ambry Genetics
Classification: Uncertain significance. Last evaluated: 2025-02-05. Review status: criteria provided, single submitter. Criteria: Ambry Variant Classification Scheme 2023. Collection method: clinical testing. Allele origin: germline.